The following is an entry in ClinVar:

NM_172364.5(CACNA2D4):c.2169_2171dup (p.Arg724_Glu725insArg)

Gene: CACNA2D4 (calcium voltage-gated channel auxiliary subunit alpha2delta 4; minus strand). Cytogenetic location: 12p13.33.
Variant type: Duplication.
Coding change: c.2169_2171dup on transcript NM_172364.5 (MANE Select); coding-DNA positions 2169 to 2171, 3 bases duplicated (CCG; older notation c.2169_2171dupCCG).
Protein change: p.Arg724_Glu725insArg.
Genome position (GRCh38, 1-based): chr12:1,854,026-1,854,028, CGG duplicated on the plus strand (CCG on the coding strand, the reverse complement: CACNA2D4 is on the minus strand). VCF-style (leftmost placement, unchanged base first): chr12-1854025-C-CCGG. GRCh37 (hg19) VCF-style: chr12-1963191-C-CCGG.
Identifiers: ClinVar variation 3649219 (VCV003649219.2).

ClinVar aggregate classification (germline): Uncertain significance (1 of 4 stars; one submission).

Submission:

Labcorp Genetics (formerly Invitae), Labcorp
Classification: Uncertain significance. Last evaluated: 2024-04-08. Review status: criteria provided, single submitter. Criteria: Invitae Variant Classification Sherloc (09022015). Collection method: clinical testing. Allele origin: germline.
Comment: This variant, c.2169_2171dup, results in the insertion of 1 amino acid(s) of the CACNA2D4 protein (p.Arg724dup), but otherwise preserves the integrity of the reading frame. This variant is not present in population databases (gnomAD no frequency). This variant has not been reported in the literature in individuals affected with CACNA2D4-related conditions. In summary, the available evidence is currently insufficient to determine the role of this variant in disease. Therefore, it has been classified as a Variant of Uncertain Significance.